The following is an entry in ClinVar:

NM_024589.3(ROGDI):c.*116C>T

Gene: ROGDI (rogdi atypical leucine zipper; minus strand). Cytogenetic location: 16p13.3.
Variant type: single nucleotide variant.
Coding change: c.*116C>T on transcript NM_024589.3 (MANE Select); 116 bases downstream of the stop codon, C replaced by T.
Molecular consequence: 3 prime UTR variant. On other transcripts: non-coding transcript variant (1).
Genome position (GRCh38, 1-based): chr16:4,797,344, G>A on the plus strand (C>T on the coding strand, the complement: ROGDI is on the minus strand). VCF-style: chr16-4797344-G-A. GRCh37 (hg19) VCF-style: chr16-4847345-G-A.
Identifiers: ClinVar variation 2646159 (VCV002646159.24), dbSNP rs78649123, ClinGen allele CA277134905.

ClinVar aggregate classification (germline): Benign (1 of 4 stars; one submission).

Allele frequency attached by ClinVar (database versions not stated): gnomAD exomes 0.00039; gnomAD 0.00353; 1000 Genomes Project 0.00359; TOPMed 0.00417; 1000 Genomes Project 30x 0.00437.

Submission:

CeGaT Center for Human Genetics Tuebingen
Classification: Benign. Last evaluated: 2023-02-01. Review status: criteria provided, single submitter. Criteria: CeGaT Center For Human Genetics Tuebingen Variant Classification Criteria Version 2. Collection method: clinical testing. Allele origin: germline. Affected: yes. Observed: 1 variant allele.
Comment: ROGDI: BS1, BS2